The following is an entry in ClinVar:

ClinVar aggregate classification (germline): Likely benign (1 of 4 stars; one submission).

Allele frequency attached by ClinVar (database versions not stated): ExAC below 0.00001; gnomAD exomes 0.00018; gnomAD 0.00035 and 0.00036; TOPMed 0.00054.

Submission:

GeneDx
Classification: Likely benign. Last evaluated: 2018-04-26. Review status: criteria provided, single submitter. Criteria: GeneDx Variant Classification (06012015). Collection method: clinical testing. Allele origin: germline. Affected: yes.
Comment: This variant is considered likely benign or benign based on one or more of the following criteria: it is a conservative change, it occurs at a poorly conserved position in the protein, it is predicted to be benign by multiple in silico algorithms, and/or has population frequency not consistent with disease.

NM_003106.4(SOX2):c.-20G>T

Genes: SOX2 (SRY-box transcription factor 2; plus strand), SOX2-OT (SOX2 overlapping transcript; plus strand), LOC108281177 (SOX2 5' regulatory region; plus strand). Cytogenetic location: 3q26.33.
Variant type: single nucleotide variant.
Coding change: c.-20G>T on transcript NM_003106.4 (MANE Select); 20 bases upstream of the start codon, G replaced by T.
Molecular consequence: 5 prime UTR variant.
Genome position (GRCh38, 1-based): chr3:181,712,341, G>T. VCF-style: chr3-181712341-G-T. GRCh37 (hg19) VCF-style: chr3-181430129-G-T.
Identifiers: ClinVar variation 682175 (VCV000682175.1), dbSNP rs773470359, ClinGen allele CA2717221.